The following is an entry in ClinVar:

NM_005529.7(HSPG2):c.8843T>C (p.Val2948Ala)

Gene: HSPG2 (heparan sulfate proteoglycan 2; minus strand). Cytogenetic location: 1p36.12.
Variant type: single nucleotide variant.
Coding change: c.8843T>C on transcript NM_005529.7 (MANE Select); coding-DNA position 8843, T replaced by C.
Protein change: p.Val2948Ala; replaces valine 2948 with alanine.
Molecular consequence: missense variant.
Genome position (GRCh38, 1-based): chr1:21,842,837, A>G on the plus strand (T>C on the coding strand, the complement: HSPG2 is on the minus strand). VCF-style: chr1-21842837-A-G. GRCh37 (hg19) VCF-style: chr1-22169330-A-G.
Other names: c.8846T>C, p.Val2949Ala (NM_001291860.2); short protein forms V2949A, V2948A.
Identifiers: ClinVar variation 1381128 (VCV001381128.8), dbSNP rs2152706983, ClinGen allele CA338916379.

ClinVar aggregate classification (germline): Uncertain significance (1 of 4 stars; one submission).

Submission:

Labcorp Genetics (formerly Invitae), Labcorp
Classification: Uncertain significance. Last evaluated: 2022-11-15. Review status: criteria provided, single submitter. Criteria: Invitae Variant Classification Sherloc (09022015). Collection method: clinical testing. Allele origin: germline.
Comment: In summary, the available evidence is currently insufficient to determine the role of this variant in disease. Therefore, it has been classified as a Variant of Uncertain Significance. Algorithms developed to predict the effect of missense changes on protein structure and function are either unavailable or do not agree on the potential impact of this missense change (SIFT: "Tolerated"; PolyPhen-2: "Probably Damaging"; Align-GVGD: "Class C0"). ClinVar contains an entry for this variant (Variation ID: 1381128). This variant has not been reported in the literature in individuals affected with HSPG2-related conditions. This sequence change replaces valine, which is neutral and non-polar, with alanine, which is neutral and non-polar, at codon 2948 of the HSPG2 protein (p.Val2948Ala). This variant is not present in population databases (gnomAD no frequency).